The following is an entry in ClinVar:

ClinVar aggregate classification (germline): Uncertain significance. Review status: criteria provided, multiple submitters, no conflicts (2 of 4 stars). 5 submissions from 5 submitters: Uncertain significance (4). 1 of the submissions does not count toward it. Last evaluated 2023-06-10.

Conditions:
Cardiovascular phenotype. Identifiers: MedGen CN230736.
Alstrom syndrome (ALMS). Identifiers: Orphanet 64, MedGen C0268425, MONDO:0008763, OMIM 203800.

Allele frequency attached by ClinVar (database versions not stated): TOPMed below 0.00001; gnomAD 0.00001; gnomAD exomes 0.00002 and 0.00004; ExAC 0.00005; 1000 Genomes Project 30x 0.00016; 1000 Genomes Project 0.00020.
gnomAD v4.1: 32 of 1,614,032 alleles (0.002%); highest among the groups gnomAD compares: East Asian, 0.071%; no homozygotes.

Submissions (5):

Women's Health and Genetics/Laboratory Corporation of America, LabCorp
Classification: Uncertain significance. Last evaluated: 2023-06-10. Review status: criteria provided, single submitter. Criteria: LabCorp Variant Classification Summary - May 2015. Collection method: clinical testing. Allele origin: germline.

Ambry Genetics
Classification: Uncertain significance for Cardiovascular phenotype. Last evaluated: 2022-12-02. Review status: criteria provided, single submitter. Criteria: Ambry Variant Classification Scheme 2023. Collection method: clinical testing. Allele origin: germline.
Comment: The p.S574G variant (also known as c.1720A>G), located in coding exon 8 of the ALMS1 gene, results from an A to G substitution at nucleotide position 1720. The serine at codon 574 is replaced by glycine, an amino acid with similar properties. This amino acid position is not well conserved in available vertebrate species. In addition, this alteration is predicted to be tolerated by in silico analysis. Since supporting evidence is limited at this time, the clinical significance of this alteration remains unclear.

Labcorp Genetics (formerly Invitae), Labcorp
Classification: Uncertain significance for Alstrom syndrome. Last evaluated: 2022-05-09. Review status: criteria provided, single submitter. Criteria: Invitae Variant Classification Sherloc (09022015). Collection method: clinical testing. Allele origin: germline.
Comment: This sequence change replaces serine, which is neutral and polar, with glycine, which is neutral and non-polar, at codon 574 of the ALMS1 protein (p.Ser574Gly). This variant is present in population databases (rs143478466, gnomAD 0.05%). This variant has not been reported in the literature in individuals affected with ALMS1-related conditions. ClinVar contains an entry for this variant (Variation ID: 550029). Experimental studies and prediction algorithms are not available or were not evaluated, and the functional significance of this variant is currently unknown. In summary, the available evidence is currently insufficient to determine the role of this variant in disease. Therefore, it has been classified as a Variant of Uncertain Significance.

Fulgent Genetics
Classification: Uncertain significance for Alstrom syndrome. Last evaluated: 2021-09-23. Review status: criteria provided, single submitter. Criteria: ACMG Guidelines, 2015. Collection method: clinical testing. Allele origin: unknown.

Counsyl
Classification: Uncertain significance for Alstrom syndrome. Last evaluated: 2017-12-29. Review status: no assertion criteria provided. Collection method: clinical testing. Allele origin: unknown. Not counted in ClinVar's aggregate classification.

NM_001378454.1(ALMS1):c.1717A>G (p.Ser573Gly)

Gene: ALMS1 (ALMS1 centrosome and basal body associated protein; plus strand). Cytogenetic location: 2p13.1.
Variant type: single nucleotide variant.
Coding change: c.1717A>G on transcript NM_001378454.1 (MANE Select); coding-DNA position 1717, A replaced by G.
Protein change: p.Ser573Gly; replaces serine 573 with glycine.
Molecular consequence: missense variant.
Genome position (GRCh38, 1-based): chr2:73,448,244, A>G. VCF-style: chr2-73448244-A-G. GRCh37 (hg19) VCF-style: chr2-73675371-A-G.
Other names: c.1720A>G, p.Ser574Gly (NM_015120.4); short protein forms S574G, S573G.
Identifiers: ClinVar variation 550029 (VCV000550029.7), dbSNP rs143478466, ClinGen allele CA1713215.